The following is an entry in ClinVar:

NM_000138.5(FBN1):c.3013G>T (p.Glu1005Ter)

Gene: FBN1 (fibrillin 1; minus strand). Cytogenetic location: 15q21.1.
Variant type: single nucleotide variant.
Coding change: c.3013G>T on transcript NM_000138.5 (MANE Select); coding-DNA position 3013, G replaced by T.
Protein change: p.Glu1005Ter; replaces glutamic acid 1005 with a stop codon.
Molecular consequence: nonsense.
Genome position (GRCh38, 1-based): chr15:48,489,920, C>A on the plus strand (G>T on the coding strand, the complement: FBN1 is on the minus strand). VCF-style: chr15-48489920-C-A. GRCh37 (hg19) VCF-style: chr15-48782117-C-A.
Other names: short protein forms E1005*.
Identifiers: ClinVar variation 581386 (VCV000581386.8), dbSNP rs564713154, ClinGen allele CA392329029.

ClinVar aggregate classification (germline): Pathogenic (1 of 4 stars; one submission).

Conditions:
Familial thoracic aortic aneurysm and aortic dissection (TAAD). Also called: Thoracic aortic aneurysms and dissections. Identifiers: Orphanet 91387, MedGen C4707243, MONDO:0019625.
Marfan syndrome (MFS). Also called: FBN1-Related Marfan Syndrome; Marfan syndrome type 1; Marfan's syndrome; Marfan syndrome, classic; MARFAN SYNDROME, TYPE I. Identifiers: Orphanet 284963, Orphanet 558, MedGen C0024796, MONDO:0007947, OMIM 154700.

Submission:

Labcorp Genetics (formerly Invitae), Labcorp
Classification: Pathogenic for Marfan syndrome; Familial thoracic aortic aneurysm and aortic dissection. Last evaluated: 2018-03-15. Review status: criteria provided, single submitter. Criteria: Invitae Variant Classification Sherloc (09022015). Collection method: clinical testing. Allele origin: germline.
Comment: For these reasons, this variant has been classified as Pathogenic. Loss-of-function variants in FBN1 are known to be pathogenic (PMID: 17657824, 19293843). This variant has been reported in an individual affected with Marfan syndrome (PMID: 25907466). This variant is not present in population databases (ExAC no frequency). This sequence change creates a premature translational stop signal (p.Glu1005*) in the FBN1 gene. It is expected to result in an absent or disrupted protein product.

Literature cited by the submitters: PubMed 17657824; PubMed 19293843; PubMed 25907466.